The following is an entry in ClinVar:

NM_003072.5(SMARCA4):c.23T>A (p.Leu8Gln)

Gene: SMARCA4 (SWI/SNF related BAF chromatin remodeling complex subunit ATPase 4; plus strand). Cytogenetic location: 19p13.2.
Variant type: single nucleotide variant.
Coding change: c.23T>A on transcript NM_003072.5 (MANE Select); coding-DNA position 23, T replaced by A.
Protein change: p.Leu8Gln; replaces leucine 8 with glutamine.
Molecular consequence: missense variant. On other transcripts: non-coding transcript variant (1).
Genome position (GRCh38, 1-based): chr19:10,984,174, T>A. VCF-style: chr19-10984174-T-A. GRCh37 (hg19) VCF-style: chr19-11094850-T-A.
Other names: c.23T>A, p.Leu8Gln (NM_001128844.3, NM_001128845.2, NM_001128846.2 and 6 more transcripts); short protein forms L8Q.
Identifiers: ClinVar variation 3798886 (VCV003798886.1).

ClinVar aggregate classification (germline): Uncertain significance (1 of 4 stars; one submission).

Conditions:
Hereditary cancer-predisposing syndrome. Also called: Neoplastic Syndromes, Hereditary; Hereditary Cancer Syndrome; Tumor predisposition; Hereditary neoplastic syndrome. Identifiers: Orphanet 140162, MedGen C0027672, MeSH D009386, MONDO:0015356.

Submission:

Ambry Genetics
Classification: Uncertain significance for Hereditary cancer-predisposing syndrome. Last evaluated: 2024-12-20. Review status: criteria provided, single submitter. Criteria: Ambry Variant Classification Scheme 2023. Collection method: clinical testing. Allele origin: germline.
Comment: The p.L8Q variant (also known as c.23T>A), located in coding exon 1 of the SMARCA4 gene, results from a T to A substitution at nucleotide position 23. The leucine at codon 8 is replaced by glutamine, an amino acid with dissimilar properties. This amino acid position is conserved. In addition, the in silico prediction for this alteration is inconclusive. Based on the available evidence, the clinical significance of this variant remains unclear.